The following is an entry in ClinVar:

NM_015459.5(ATL3):c.1460G>A (p.Trp487Ter)

Genes: ATL3 (atlastin GTPase 3; minus strand), LNCROPM (lncRNA regulator of PLAAT3 mediated phospholipid metabolism; plus strand). Cytogenetic location: 11q13.1.
Variant type: single nucleotide variant.
Coding change: c.1460G>A on transcript NM_015459.5 (MANE Select); coding-DNA position 1460, G replaced by A.
Protein change: p.Trp487Ter; replaces tryptophan 487 with a stop codon.
Molecular consequence: nonsense.
Genome position (GRCh38, 1-based): chr11:63,631,119, C>T on the plus strand (G>A on the coding strand, the complement: ATL3 is on the minus strand). VCF-style: chr11-63631119-C-T. GRCh37 (hg19) VCF-style: chr11-63398591-C-T.
Other names: c.1406G>A, p.Trp469Ter (NM_001290048.2); short protein forms W469*, W487*.
Identifiers: ClinVar variation 1487731 (VCV001487731.6), dbSNP rs2134461588, ClinGen allele CA381024903.
Genomic context (GRCh38, chr11:63,631,119, plus strand): 5'-GCACCAAAATCAATAGCTCCGCCCAGCTCACGATATTGACCAGAATACCTGATGTAGCCC[C>T]AGGTGAGGAGTGCTATTAACAGTAGTCCAACCATACAGTTGAACAACTGGGCTACAACCT-3'

ClinVar aggregate classification (germline): Uncertain significance (1 of 4 stars; one submission).

Conditions:
Neuropathy, hereditary sensory, type 1F. Also called: Hereditary sensory neuropathy type IF; HSN IF. Identifiers: Orphanet 36386, MedGen C3810194, MONDO:0014286, OMIM 615632.

Submission:

Labcorp Genetics (formerly Invitae), Labcorp
Classification: Uncertain significance for Neuropathy, hereditary sensory, type 1F. Last evaluated: 2021-03-14. Review status: criteria provided, single submitter. Criteria: Invitae Variant Classification Sherloc (09022015). Collection method: clinical testing. Allele origin: germline.
Comment: This sequence change creates a premature translational stop signal (p.Trp487*) in the ATL3 gene. It is expected to result in an absent or disrupted protein product. However, the current clinical and genetic evidence is not sufficient to establish whether loss-of-function variants in ATL3 cause disease. This variant is not present in population databases (ExAC no frequency). This variant has not been reported in the literature in individuals with ATL3-related conditions. Algorithms developed to predict the effect of sequence changes on RNA splicing suggest that this variant may create or strengthen a splice site, but this prediction has not been confirmed by published transcriptional studies. In summary, the available evidence is currently insufficient to determine the role of this variant in disease. Therefore, it has been classified as a Variant of Uncertain Significance.